The following is an entry in ClinVar:

NM_001267550.2(TTN):c.106208C>T (p.Thr35403Ile)

Genes: TTN (titin; minus strand), TTN-AS1 (TTN antisense RNA 1; plus strand). Cytogenetic location: 2q31.2.
Variant type: single nucleotide variant.
Coding change: c.106208C>T on transcript NM_001267550.2 (MANE Select); coding-DNA position 106208, C replaced by T.
Protein change: p.Thr35403Ile; replaces threonine 35403 with isoleucine.
Molecular consequence: missense variant.
Genome position (GRCh38, 1-based): chr2:178,530,407, G>A on the plus strand (C>T on the coding strand, the complement: TTN is on the minus strand). VCF-style: chr2-178530407-G-A. GRCh37 (hg19) VCF-style: chr2-179395134-G-A.
Other names: c.101285C>T, p.Thr33762Ile (NM_001256850.1); c.79013C>T, p.Thr26338Ile (NM_003319.4); c.98504C>T, p.Thr32835Ile (NM_133378.4); c.79388C>T, p.Thr26463Ile (NM_133432.3); c.79589C>T, p.Thr26530Ile (NM_133437.4); short protein forms T26338I, T26463I, T26530I, T32835I, T33762I, T35403I.
Identifiers: ClinVar variation 2690290 (VCV002690290.3), dbSNP rs1238858589, ClinGen allele CA349406604.

ClinVar aggregate classification (germline): Uncertain significance. Review status: criteria provided, multiple submitters, no conflicts (2 of 4 stars). 2 submissions from 2 submitters: Uncertain significance (2). Last evaluated 2024-03-01.

Allele frequency attached by ClinVar (database versions not stated): gnomAD exomes 0.00001; TOPMed 0.00002.
gnomAD v4.1: 3 of 1,613,922 alleles (0.00019%); highest among the groups gnomAD compares: Admixed American, 0.005%; no homozygotes.

Submissions (2):

GeneDx
Classification: Uncertain significance. Last evaluated: 2024-03-01. Review status: criteria provided, single submitter. Criteria: GeneDx Variant Classification Process June 2021. Collection method: clinical testing. Allele origin: germline. Affected: yes.
Comment: Not observed at significant frequency in large population cohorts (gnomAD); Missense variant in a gene in which most reported pathogenic variants are truncating/loss of function; Has not been previously published as pathogenic or benign to our knowledge

Revvity Omics, Revvity
Classification: Uncertain significance. Last evaluated: 2023-03-28. Review status: criteria provided, single submitter. Criteria: ACMG Guidelines, 2015. Collection method: clinical testing. Allele origin: germline.